The following is an entry in ClinVar:

ClinVar aggregate classification (germline): Conflicting classifications of pathogenicity. Review status: criteria provided, conflicting classifications (1 of 4 stars). 5 submissions from 5 submitters: Uncertain significance (1); Benign (1); Likely benign (3). Last evaluated 2026-02-04.

Conditions:
Brittle cornea syndrome 1 (BCS1). Also called: DYSGENESIS MESODERMALIS CORNEAE ET SCLERAE; EDS6B; FRAGILITAS OCULI WITH JOINT HYPEREXTENSIBILITY; Corneal fragility keratoglobus, blue sclerae AND joint hypermobility; CORNEAL FRAGILITY, KERATOGLOBUS, BLUE SCLERAE, JOINT HYPEREXTENSIBILITY. Identifiers: Orphanet 90354, MedGen C0268344, MONDO:0024543, OMIM 229200.
Cardiovascular phenotype. Identifiers: MedGen CN230736.
ZNF469-related disorder. Also called: ZNF469-related condition.

Allele frequency attached by ClinVar (database versions not stated): gnomAD 0.00010 and 0.00020; ExAC 0.00016; TOPMed 0.00016; gnomAD exomes 0.00031 and 0.00032; 1000 Genomes Project 30x 0.00125; 1000 Genomes Project 0.00140.
gnomAD v4.1: 469 of 1,550,396 alleles (0.03%); highest among the groups gnomAD compares: East Asian, 1.1%; 4 homozygotes.

Submissions (5):

Labcorp Genetics (formerly Invitae), Labcorp
Classification: Likely benign. Last evaluated: 2026-02-04. Review status: criteria provided, single submitter. Criteria: Invitae Variant Classification Sherloc (09022015). Collection method: clinical testing. Allele origin: germline.

PreventionGenetics, part of Exact Sciences
Classification: Likely benign for ZNF469-related condition. Last evaluated: 2024-12-13. Review status: criteria provided, single submitter. Criteria: ACMG Guidelines, 2015. Collection method: clinical testing. Allele origin: germline.
Comment: This variant is classified as likely benign based on ACMG/AMP sequence variant interpretation guidelines (Richards et al. 2015 PMID: 25741868, with internal and published modifications).

Ambry Genetics
Classification: Benign for Cardiovascular phenotype. Last evaluated: 2020-10-13. Review status: criteria provided, single submitter. Criteria: Ambry Variant Classification Scheme 2023. Collection method: clinical testing. Allele origin: germline.

GeneDx
Classification: Likely benign. Last evaluated: 2020-09-17. Review status: criteria provided, single submitter. Criteria: GeneDx Variant Classification Process June 2021. Collection method: clinical testing. Allele origin: germline. Affected: yes.

Department of Pathology and Laboratory Medicine, Sinai Health System
Classification: Uncertain significance for Brittle cornea syndrome 1. Last evaluated: 2020-08-16. Review status: criteria provided, single submitter. Criteria: ACMG Guidelines, 2015. Collection method: research. Allele origin: germline.

NM_001367624.2(ZNF469):c.3752C>T (p.Ala1251Val)

Gene: ZNF469 (zinc finger protein 469; plus strand). Cytogenetic location: 16q24.2.
Variant type: single nucleotide variant.
Coding change: c.3752C>T on transcript NM_001367624.2 (MANE Select); coding-DNA position 3752, C replaced by T.
Protein change: p.Ala1251Val; replaces alanine 1251 with valine.
Molecular consequence: missense variant.
Genome position (GRCh38, 1-based): chr16:88,431,222, C>T. VCF-style: chr16-88431222-C-T. GRCh37 (hg19) VCF-style: chr16-88497630-C-T.
Other names: NM_001127464.1:c.3668C>T; NM_001127464.2:c.3668C>T; short protein forms A1251V.
Identifiers: ClinVar variation 1201143 (VCV001201143.12), dbSNP rs190928557, ClinGen allele CA8224884.